The following is an entry in ClinVar:

NM_002769.5(PRSS1):c.73G>T (p.Val25Phe)

Genes: TRB (T cell receptor beta locus; plus strand), PRSS1 (serine protease 1; plus strand). Cytogenetic location: 7q34.
Variant type: single nucleotide variant.
Coding change: c.73G>T on transcript NM_002769.5 (MANE Select); coding-DNA position 73, G replaced by T.
Protein change: p.Val25Phe; replaces valine 25 with phenylalanine.
Molecular consequence: missense variant. On other transcripts: non-coding transcript variant (2).
Genome position (GRCh38, 1-based): chr7:142,750,587, G>T. VCF-style: chr7-142750587-G-T. GRCh37 (hg19) VCF-style: chr7-142458438-G-T.
Other names: short protein forms V25F.
Identifiers: ClinVar variation 1758735 (VCV001758735.3), dbSNP rs768051473, ClinGen allele CA369607093.

ClinVar aggregate classification (germline): Uncertain significance (1 of 4 stars; one submission).

Conditions:
Hereditary pancreatitis (PCTT). Also called: Hereditary chronic pancreatitis; PRSS1-Related Hereditary Pancreatitis. Identifiers: Orphanet 676, MedGen C0238339, MONDO:0008185, OMIM 167800.

gnomAD v4.1: 1 of 1,614,034 alleles (0.000062%); highest among the groups gnomAD compares: Non-Finnish European, 0.000085%; no homozygotes.

Submission:

Ambry Genetics
Classification: Uncertain significance for Hereditary pancreatitis. Last evaluated: 2024-08-30. Review status: criteria provided, single submitter. Criteria: Ambry Variant Classification Scheme 2023. Collection method: clinical testing. Allele origin: germline.
Comment: The p.V25F variant (also known as c.73G>T), located in coding exon 2 of the PRSS1 gene, results from a G to T substitution at nucleotide position 73. The valine at codon 25 is replaced by phenylalanine, an amino acid with highly similar properties. This amino acid position is conserved. In addition, the in silico prediction for this alteration is inconclusive. Since supporting evidence is limited at this time, the clinical significance of this alteration remains unclear.